The following is an entry in ClinVar:

NM_000222.3(KIT):c.791A>G (p.His264Arg)

Gene: KIT (KIT proto-oncogene, receptor tyrosine kinase; plus strand). Cytogenetic location: 4q12.
Variant type: single nucleotide variant.
Coding change: c.791A>G on transcript NM_000222.3 (MANE Select); coding-DNA position 791, A replaced by G.
Protein change: p.His264Arg; replaces histidine 264 with arginine.
Molecular consequence: missense variant.
Genome position (GRCh38, 1-based): chr4:54,703,758, A>G. VCF-style: chr4-54703758-A-G. GRCh37 (hg19) VCF-style: chr4-55569924-A-G.
Other names: c.791A>G, p.His264Arg (NM_001093772.2, NM_001385285.1, NM_001385286.1); c.794A>G, p.His265Arg (NM_001385284.1, NM_001385288.1, NM_001385290.1 and 1 more transcripts); short protein forms H264R, H265R.
Identifiers: ClinVar variation 2866316 (VCV002866316.4), dbSNP rs2475469245, ClinGen allele CA356899405.

ClinVar aggregate classification (germline): Conflicting classifications of pathogenicity. Review status: criteria provided, conflicting classifications (1 of 4 stars). 2 submissions from 2 submitters: Uncertain significance (1); Likely benign (1). Last evaluated 2025-06-16.

Conditions:
Hereditary cancer-predisposing syndrome. Also called: Neoplastic Syndromes, Hereditary; Tumor predisposition; Hereditary Cancer Syndrome; Hereditary neoplastic syndrome. Identifiers: Orphanet 140162, MedGen C0027672, MeSH D009386, MONDO:0015356.
Gastrointestinal stromal tumor. Also called: Gastrointestinal stromal tumor, somatic; Gastrointestinal stroma tumor. Identifiers: Orphanet 44890, MedGen C0238198, MeSH D046152, MONDO:0011719, OMIM 606764, HP:0100723.

Allele frequency attached by ClinVar (database versions not stated): gnomAD exomes below 0.00001.
gnomAD v4.1: 1 of 1,613,926 alleles (0.000062%); highest among the groups gnomAD compares: Non-Finnish European, 0.000085%; no homozygotes.

Submissions (2):

Ambry Genetics
Classification: Likely benign for Hereditary cancer-predisposing syndrome. Last evaluated: 2025-06-16. Review status: criteria provided, single submitter. Criteria: Ambry Variant Classification Scheme 2023. Collection method: clinical testing. Allele origin: germline.

Labcorp Genetics (formerly Invitae), Labcorp
Classification: Uncertain significance for Gastrointestinal stromal tumor. Last evaluated: 2023-11-17. Review status: criteria provided, single submitter. Criteria: Invitae Variant Classification Sherloc (09022015). Collection method: clinical testing. Allele origin: germline.
Comment: This sequence change replaces histidine, which is basic and polar, with arginine, which is basic and polar, at codon 264 of the KIT protein (p.His264Arg). This variant is not present in population databases (gnomAD no frequency). This variant has not been reported in the literature in individuals affected with KIT-related conditions. Algorithms developed to predict the effect of missense changes on protein structure and function output the following: SIFT: "Not Available"; PolyPhen-2: "Benign"; Align-GVGD: "Not Available". The arginine amino acid residue is found in multiple mammalian species, which suggests that this missense change does not adversely affect protein function. In summary, the available evidence is currently insufficient to determine the role of this variant in disease. Therefore, it has been classified as a Variant of Uncertain Significance.